The following is an entry in ClinVar:

NM_001142800.2(EYS):c.7597A>G (p.Lys2533Glu)

Gene: EYS (EGF-like photoreceptor maintenance factor; minus strand). Cytogenetic location: 6q12.
Variant type: single nucleotide variant.
Coding change: c.7597A>G on transcript NM_001142800.2 (MANE Select); coding-DNA position 7597, A replaced by G.
Protein change: p.Lys2533Glu; replaces lysine 2533 with glutamic acid.
Molecular consequence: missense variant.
Genome position (GRCh38, 1-based): chr6:63,788,231, T>C on the plus strand (A>G on the coding strand, the complement: EYS is on the minus strand). VCF-style: chr6-63788231-T-C. GRCh37 (hg19) VCF-style: chr6-64498124-T-C.
Other names: c.7597A>G, p.Lys2533Glu (NM_001292009.2); short protein forms K2533E.
Identifiers: ClinVar variation 788537 (VCV000788537.15), dbSNP rs114512007, ClinGen allele CA3876794.

ClinVar aggregate classification (germline): Benign. Review status: criteria provided, multiple submitters, no conflicts (2 of 4 stars). 3 submissions from 3 submitters: Benign (2). 1 of the submissions does not count toward it. Last evaluated 2026-01-31.

Conditions:
Retinitis pigmentosa (RP). Identifiers: Orphanet 791, MedGen C0035334, MeSH D012174, MONDO:0019200, OMIM 268000. Inheritance: Autosomal dominant, autosomal recessive and X linked inheritance.

Allele frequency attached by ClinVar (database versions not stated): gnomAD exomes 0.00137 and 0.00308; ExAC 0.00529; ESP Exome Variant Server 0.01314; 1000 Genomes Project 0.01458; 1000 Genomes Project 30x 0.01530; gnomAD 0.01549 and 0.01679; TOPMed 0.01752.
gnomAD v4.1: 4,332 of 1,536,530 alleles (0.28%); highest among the groups gnomAD compares: African/African-American, 5.4%; 120 homozygotes.

Submissions (3):

Labcorp Genetics (formerly Invitae), Labcorp
Classification: Benign. Last evaluated: 2026-01-31. Review status: criteria provided, single submitter. Criteria: Invitae Variant Classification Sherloc (09022015). Collection method: clinical testing. Allele origin: germline.

Illumina Laboratory Services, Illumina
Classification: Benign for Retinitis pigmentosa. Last evaluated: 2017-07-08. Review status: criteria provided, single submitter. Criteria: ICSL Variant Classification Criteria 13 December 2019. Collection method: clinical testing. Allele origin: germline.
Comment: This variant was observed as part of a predisposition screen in an ostensibly healthy population. A literature search was performed for the gene, cDNA change, and amino acid change (where applicable). Publications were found based on this search. The evidence from the literature, in combination with allele frequency data from public databases where available, was sufficient to rule this variant out of causing disease. Therefore, this variant is classified as benign.

Natera, Inc.
Classification: Benign for Retinitis pigmentosa. Last evaluated: 2020-09-16. Review status: no assertion criteria provided. Collection method: clinical testing. Allele origin: germline. Not counted in ClinVar's aggregate classification.

Literature cited by the submitters: PubMed 22277662 (cited by Illumina Laboratory Services, Illumina).